The following is an entry in ClinVar:

ClinVar aggregate classification (germline): Likely benign. Review status: criteria provided, multiple submitters, no conflicts (2 of 4 stars). 4 submissions from 4 submitters: Likely benign (2). 2 of the submissions do not count toward it. Last evaluated 2025-10-21.

Conditions:
Peroxisome biogenesis disorder. Identifiers: Orphanet 79189, MedGen C1832200, MONDO:0019234. Disease mechanism: loss of function.
PEX6-related disorder. Also called: PEX6-related condition; PEX6-related disorders.
Zellweger spectrum disorders (ZS). Also called: Zellweger Spectrum; Zellweger Spectrum Disorder (ZSD); Zellweger syndrome; Zellweger Spectrum Disorder. Identifiers: Orphanet 912, MedGen C0043459, MONDO:0019609.

Allele frequency attached by ClinVar (database versions not stated): gnomAD exomes 0.00001 and 0.00002; TOPMed 0.00006; gnomAD 0.00007 and 0.00008; 1000 Genomes Project 30x 0.00016.
gnomAD v4.1: 21 of 1,534,950 alleles (0.0014%); highest among the groups gnomAD compares: African/African-American, 0.023%; no homozygotes.

Submissions (4):

Labcorp Genetics (formerly Invitae), Labcorp
Classification: Likely benign for Peroxisome biogenesis disorder. Last evaluated: 2025-10-21. Review status: criteria provided, single submitter. Criteria: Invitae Variant Classification Sherloc (09022015). Collection method: clinical testing. Allele origin: germline.

Blueprint Genetics
Classification: Likely benign. Last evaluated: 2022-10-28. Review status: criteria provided, single submitter. Criteria: ACMG Guidelines, 2015. Collection method: clinical testing. Allele origin: germline.

Natera, Inc.
Classification: Likely benign for Zellweger syndrome. Last evaluated: 2021-07-29. Review status: no assertion criteria provided. Collection method: clinical testing. Allele origin: germline. Not counted in ClinVar's aggregate classification.

PreventionGenetics, part of Exact Sciences
Classification: Likely benign for PEX6-related condition. Last evaluated: 2020-03-20. Review status: no assertion criteria provided. Collection method: clinical testing. Allele origin: germline. Not counted in ClinVar's aggregate classification.
Comment: This variant is classified as likely benign based on ACMG/AMP sequence variant interpretation guidelines (Richards et al. 2015 PMID: 25741868, with internal and published modifications).

NM_000287.4(PEX6):c.390C>T (p.Thr130=)

Gene: PEX6 (peroxisomal biogenesis factor 6; minus strand). Cytogenetic location: 6p21.1.
Variant type: single nucleotide variant.
Coding change: c.390C>T on transcript NM_000287.4 (MANE Select); coding-DNA position 390, C replaced by T.
Protein change: p.Thr130=; no amino-acid change (threonine 130 retained).
Molecular consequence: synonymous variant. On other transcripts: non-coding transcript variant (1).
Genome position (GRCh38, 1-based): chr6:42,978,761, G>A on the plus strand (C>T on the coding strand, the complement: PEX6 is on the minus strand). VCF-style: chr6-42978761-G-A. GRCh37 (hg19) VCF-style: chr6-42946499-G-A.
Other names: c.390C>T (NM_000287.3); c.390C>T, p.Thr130= (NM_001316313.2).
Identifiers: ClinVar variation 1157220 (VCV001157220.13), dbSNP rs753963225, ClinGen allele CA3811628.